The following is an entry in ClinVar:

ClinVar aggregate classification (germline): Uncertain significance (1 of 4 stars; one submission).

Conditions:
Hereditary cancer-predisposing syndrome. Also called: Neoplastic Syndromes, Hereditary; Tumor predisposition; Hereditary Cancer Syndrome; Hereditary neoplastic syndrome. Identifiers: Orphanet 140162, MedGen C0027672, MeSH D009386, MONDO:0015356.

Submission:

Ambry Genetics
Classification: Uncertain significance for Hereditary cancer-predisposing syndrome. Last evaluated: 2026-01-12. Review status: criteria provided, single submitter. Criteria: Ambry Variant Classification Scheme 2023. Collection method: clinical testing. Allele origin: germline.
Comment: The p.I1074F variant (also known as c.3220A>T), located in coding exon 21 of the TSC1 gene, results from an A to T substitution at nucleotide position 3220. The isoleucine at codon 1074 is replaced by phenylalanine, an amino acid with highly similar properties. This amino acid position is conserved. In addition, this alteration is predicted to be tolerated by in silico analysis. Based on the available evidence, the clinical significance of this variant remains unclear.

NM_000368.5(TSC1):c.3220A>T (p.Ile1074Phe)

Gene: TSC1 (TSC complex subunit 1; minus strand). Cytogenetic location: 9q34.13.
Variant type: single nucleotide variant.
Coding change: c.3220A>T on transcript NM_000368.5 (MANE Select); coding-DNA position 3220, A replaced by T.
Protein change: p.Ile1074Phe; replaces isoleucine 1074 with phenylalanine.
Molecular consequence: missense variant. On other transcripts: non-coding transcript variant (5).
Genome position (GRCh38, 1-based): chr9:132,896,510, T>A on the plus strand (A>T on the coding strand, the complement: TSC1 is on the minus strand). VCF-style: chr9-132896510-T-A. GRCh37 (hg19) VCF-style: chr9-135771897-T-A.
Other names: c.3220A>T, p.Ile1074Phe (NM_001406592.1, NM_001406593.1, NM_001406594.1 and 2 more transcripts); c.3217A>T, p.Ile1073Phe (NM_001406597.1, NM_001406598.1, NM_001406599.1 and 2 more transcripts); c.3205A>T, p.Ile1069Phe (NM_001406601.1, NM_001406602.1); c.3202A>T, p.Ile1068Phe (NM_001406603.1, NM_001406604.1); c.3178A>T, p.Ile1060Phe (NM_001406605.1, NM_001406606.1, NM_001406607.1); c.3175A>T, p.Ile1059Phe (NM_001406608.1, NM_001406609.1); c.3067A>T, p.Ile1023Phe (NM_001406610.1, NM_001162427.2); c.3064A>T, p.Ile1022Phe (NM_001406611.1, NM_001406612.1); and 8 more; short protein forms I1068F, I939F, I1069F, I1073F, I757F, I938F, I952F, I953F.
Identifiers: ClinVar variation 4841474 (VCV004841474.1).
Genomic context (GRCh38, chr9:132,896,510, plus strand): 5'-CTCGAGCCTTCATACCCAGGAAGCTTTTTGAACTGGGAAGTGAGCCCACAGTGGTGGGGA[T>A]GCTGGCAGACGCTTCTCCCATAGTCGTCTCCCACCGACTGCTGAATGGGCCTGCCCTCTG-3'
Protein context (NP_000359.1, residues 1064-1084): ETTMGEASAS[Ile1074Phe]PTTVGSLPSS